The following is an entry in ClinVar:

ClinVar aggregate classification (germline): Uncertain significance. Review status: criteria provided, multiple submitters, no conflicts (2 of 4 stars). 2 submissions from 2 submitters: Uncertain significance (2). Last evaluated 2025-03-31.

Conditions:
Inborn genetic diseases. Identifiers: MedGen C0950123, MeSH D030342.
Congenital myotonia, autosomal recessive form. Also called: BECKER DISEASE; Becker Generalized Myotonia; myotonia congenita, autosomal recessive. Identifiers: Orphanet 614, MedGen C0751360, MONDO:0009715, OMIM 255700.
Congenital myotonia, autosomal dominant form (THD). Also called: THOMSEN DISEASE; Myotonia congenita autosomal dominant. Identifiers: Orphanet 614, MedGen C2936781, MONDO:0008055, OMIM 160800.

Allele frequency attached by ClinVar (database versions not stated): TOPMed below 0.00001; ExAC 0.00001; gnomAD exomes 0.00001.
gnomAD v4.1: 3 of 1,612,678 alleles (0.00019%); highest among the groups gnomAD compares: South Asian, 0.0011%; no homozygotes.

Submissions (2):

Ambry Genetics
Classification: Uncertain significance for Inborn genetic diseases. Last evaluated: 2025-03-31. Review status: criteria provided, single submitter. Criteria: Ambry Variant Classification Scheme 2023. Collection method: clinical testing. Allele origin: germline.

Labcorp Genetics (formerly Invitae), Labcorp
Classification: Uncertain significance for Congenital myotonia, autosomal recessive form; Congenital myotonia, autosomal dominant form. Last evaluated: 2022-02-09. Review status: criteria provided, single submitter. Criteria: Invitae Variant Classification Sherloc (09022015). Collection method: clinical testing. Allele origin: germline.
Comment: In summary, the available evidence is currently insufficient to determine the role of this variant in disease. Therefore, it has been classified as a Variant of Uncertain Significance. Advanced modeling of protein sequence and biophysical properties (such as structural, functional, and spatial information, amino acid conservation, physicochemical variation, residue mobility, and thermodynamic stability) performed at Invitae indicates that this missense variant is expected to disrupt CLCN1 protein function. This variant has not been reported in the literature in individuals affected with CLCN1-related conditions. This variant is present in population databases (rs749370790, gnomAD 0.004%). This sequence change replaces valine, which is neutral and non-polar, with methionine, which is neutral and non-polar, at codon 487 of the CLCN1 protein (p.Val487Met).

NM_000083.3(CLCN1):c.1459G>A (p.Val487Met)

Gene: CLCN1 (chloride voltage-gated channel 1; plus strand). Cytogenetic location: 7q34.
Variant type: single nucleotide variant.
Coding change: c.1459G>A on transcript NM_000083.3 (MANE Select); coding-DNA position 1459, G replaced by A.
Protein change: p.Val487Met; replaces valine 487 with methionine.
Molecular consequence: missense variant. On other transcripts: non-coding transcript variant (1).
Genome position (GRCh38, 1-based): chr7:143,339,310, G>A. VCF-style: chr7-143339310-G-A. GRCh37 (hg19) VCF-style: chr7-143036403-G-A.
Other names: c.1459G>A (NM_000083.2); short protein forms V487M.
Identifiers: ClinVar variation 1372066 (VCV001372066.7), dbSNP rs749370790, ClinGen allele CA4537379.